The following is an entry in ClinVar:

ClinVar aggregate classification (germline): Likely pathogenic (0 of 4 stars; one submission).

Conditions:
MYO5B-related disorder. Also called: MYO5B-related condition.

Submission:

PreventionGenetics, part of Exact Sciences
Classification: Likely pathogenic for MYO5B-related condition. Last evaluated: 2024-05-13. Review status: no assertion criteria provided. Collection method: clinical testing. Allele origin: germline.
Comment: The MYO5B c.4385_4386delAA variant is predicted to result in a frameshift and premature protein termination (p.Lys1462Argfs*71). To our knowledge, this variant has not been reported in the literature or in a large population database, indicating this variant is rare. Frameshift variants in MYO5B are expected to be pathogenic. This variant is interpreted as likely pathogenic.

NM_001080467.3(MYO5B):c.4385_4386del (p.Lys1462fs)

Genes: MYO5B (myosin VB; minus strand), SNHG22 (small nucleolar RNA host gene 22; plus strand). Cytogenetic location: 18q21.1.
Variant type: Deletion.
Coding change: c.4385_4386del on transcript NM_001080467.3 (MANE Select); coding-DNA positions 4385 to 4386, 2 bases deleted (AA; older notation c.4385_4386delAA).
Protein change: p.Lys1462fs; shifts the reading frame from lysine 1462.
Molecular consequence: frameshift variant.
Genome position (GRCh38, 1-based): chr18:49,847,219-49,847,220, TT deleted on the plus strand (AA on the coding strand, the reverse complement: MYO5B is on the minus strand); deleting any 2 consecutive bases within chr18:49,847,219-49,847,221 gives the same sequence; the c. name uses the placement nearest the transcript's 3' end. VCF-style (leftmost placement, unchanged base first): chr18-49847218-CTT-C. GRCh37 (hg19) VCF-style: chr18-47373588-CTT-C.
Other names: short protein forms K1462fs.
Identifiers: ClinVar variation 3358036 (VCV003358036.1).
Genomic context (GRCh38, chr18:49,847,218, plus strand): 5'-TCCGGATGAGGAGGGCCTCGTCCTCTTTGTGGTACTCCAGCATGCCCTGGAAATCCTTCT[CTT>C]TCCGCTGGACCGTGACCTGCCTGTTGAGCTCATGGCGCTTCCTCTCACTCTGGGCCAATG-3'